The following is an entry in ClinVar:

ClinVar aggregate classification (germline): Uncertain significance (1 of 4 stars; one submission).

Allele frequency attached by ClinVar (database versions not stated): gnomAD 0.00001; TOPMed 0.00001.
gnomAD v4.1: 1 of 1,613,950 alleles (0.000062%); highest among the groups gnomAD compares: East Asian, 0.0022%; no homozygotes.

Submission:

Labcorp Genetics (formerly Invitae), Labcorp
Classification: Uncertain significance. Last evaluated: 2023-07-07. Review status: criteria provided, single submitter. Criteria: Invitae Variant Classification Sherloc (09022015). Collection method: clinical testing. Allele origin: germline.
Comment: In summary, the available evidence is currently insufficient to determine the role of this variant in disease. Therefore, it has been classified as a Variant of Uncertain Significance. Advanced modeling of protein sequence and biophysical properties (such as structural, functional, and spatial information, amino acid conservation, physicochemical variation, residue mobility, and thermodynamic stability) performed at Invitae indicates that this missense variant is not expected to disrupt FGFR3 protein function. This variant has not been reported in the literature in individuals affected with FGFR3-related conditions. This variant is not present in population databases (gnomAD no frequency). This sequence change replaces histidine, which is basic and polar, with tyrosine, which is neutral and polar, at codon 327 of the FGFR3 protein (p.His327Tyr).

NM_000142.5(FGFR3):c.979C>T (p.His327Tyr)

Gene: FGFR3 (fibroblast growth factor receptor 3; plus strand). Cytogenetic location: 4p16.3.
Variant type: single nucleotide variant.
Coding change: c.979C>T on transcript NM_000142.5 (MANE Select); coding-DNA position 979, C replaced by T.
Protein change: p.His327Tyr; replaces histidine 327 with tyrosine.
Molecular consequence: missense variant. On other transcripts: non-coding transcript variant (1), intron variant (2).
Genome position (GRCh38, 1-based): chr4:1,803,740, C>T. VCF-style: chr4-1803740-C-T. GRCh37 (hg19) VCF-style: chr4-1805467-C-T.
Other names: c.979C>T, p.His327Tyr (NM_001354809.2, NM_001354810.2); c.1082-590C>T (NM_001163213.2); c.931-1084C>T (NM_022965.4); short protein forms H327Y.
Identifiers: ClinVar variation 2865034 (VCV002865034.3), dbSNP rs985445815, ClinGen allele CA91253171.